The following is an entry in ClinVar:

ClinVar aggregate classification (germline): Pathogenic (1 of 4 stars; one submission).

Conditions:
Ehlers-Danlos syndrome due to tenascin-X deficiency (EDSCLL1). Also called: EDS DUE TO TNX DEFICIENCY; TNX DEFICIENCY; Ehlers-Danlos syndrome, classic-like, 1; EHLERS-DANLOS SYNDROME, CLASSIC-LIKE; TNXB-Related Classical-Like Ehlers-Danlos Syndrome. Identifiers: Orphanet 230839, MedGen C1848029, MONDO:0011670, OMIM 606408.

gnomAD v4.1: 1 of 1,613,578 alleles (0.000062%); highest among the groups gnomAD compares: South Asian, 0.0011%; no homozygotes.

Submission:

Myriad Genetics, Inc.
Classification: Pathogenic for Ehlers-Danlos syndrome due to tenascin-X deficiency. Last evaluated: 2025-07-26. Review status: criteria provided, single submitter. Criteria: Myriad Autosomal Dominant, Autosomal Recessive and X-Linked Classification Criteria (2023). Collection method: clinical testing. Allele origin: unknown.
Comment: NM_019105.6(TNXB):c.6985C>T(Q2329*) is expected to be pathogenic in the context of classical-like Ehlers-Danlos syndrome, TNXB-related. This variant is predicted to lead to an abnormal or absent protein product due to the creation of a premature termination codon in TNXB, a gene where loss-of-function variants are known to be pathogenic. Please note: this variant was assessed in the context of healthy population screening.

NM_001365276.2(TNXB):c.6985C>T (p.Gln2329Ter)

Gene: TNXB (tenascin XB; minus strand). Cytogenetic location: 6p21.33.
Variant type: single nucleotide variant.
Coding change: c.6985C>T on transcript NM_001365276.2 (MANE Select); coding-DNA position 6985, C replaced by T.
Protein change: p.Gln2329Ter; replaces glutamine 2329 with a stop codon.
Molecular consequence: nonsense.
Genome position (GRCh38, 1-based): chr6:32,062,340, G>A on the plus strand (C>T on the coding strand, the complement: TNXB is on the minus strand). VCF-style: chr6-32062340-G-A. GRCh37 (hg19) VCF-style: chr6-32030117-G-A.
Other names: c.7726C>T, p.Gln2576Ter (NM_001428335.1); c.6985C>T, p.Gln2329Ter (NM_019105.8); short protein forms Q2329*, Q2576*.
Identifiers: ClinVar variation 5014774 (VCV005014774.1).